The following is an entry in ClinVar:

ClinVar aggregate classification (germline): Uncertain significance. Review status: criteria provided, multiple submitters, no conflicts (2 of 4 stars). 2 submissions from 2 submitters: Uncertain significance (2). Last evaluated 2022-12-19.

Conditions:
Familial thoracic aortic aneurysm and aortic dissection (TAAD). Also called: Thoracic aortic aneurysms and dissections. Identifiers: Orphanet 91387, MedGen C4707243, MONDO:0019625.
Loeys-Dietz syndrome 4 (LDS4). Also called: ANEURYSM, AORTIC AND CEREBRAL, WITH ARTERIAL TORTUOSITY AND SKELETAL MANIFESTATIONS; TGFB2-Related Loeys-Dietz Syndrome. Identifiers: MedGen C3553762, MONDO:0013897, OMIM 614816.

Submissions (2):

Labcorp Genetics (formerly Invitae), Labcorp
Classification: Uncertain significance for Loeys-Dietz syndrome 4. Last evaluated: 2022-12-19. Review status: criteria provided, single submitter. Criteria: Invitae Variant Classification Sherloc (09022015). Collection method: clinical testing. Allele origin: germline.
Comment: This variant has not been reported in the literature in individuals affected with TGFB2-related conditions. This variant is not present in population databases (gnomAD no frequency). This sequence change falls in intron 1 of the TGFB2 gene. It does not directly change the encoded amino acid sequence of the TGFB2 protein. It affects a nucleotide within the consensus splice site. Variants that disrupt the consensus splice site are a relatively common cause of aberrant splicing (PMID: 17576681, 9536098). Algorithms developed to predict the effect of sequence changes on RNA splicing suggest that this variant may disrupt the consensus splice site. In summary, the available evidence is currently insufficient to determine the role of this variant in disease. Therefore, it has been classified as a Variant of Uncertain Significance.

CHEO Genetics Diagnostic Laboratory, Children's Hospital of Eastern Ontario
Classification: Uncertain significance for Familial thoracic aortic aneurysm and aortic dissection. Last evaluated: 2017-01-04. Review status: criteria provided, single submitter. Criteria: ACMG Guidelines, 2015. Collection method: clinical testing. Allele origin: germline. Study: Canadian Open Genetics Repository.

Literature cited by the submitters: PubMed 17576681 (cited by Labcorp Genetics (formerly Invitae), Labcorp); PubMed 9536098 (cited by Labcorp Genetics (formerly Invitae), Labcorp).

NM_003238.6(TGFB2):c.346+4_346+7del

Gene: TGFB2 (transforming growth factor beta 2; plus strand). Cytogenetic location: 1q41.
Variant type: Microsatellite.
Coding change: c.346+4_346+7del on transcript NM_003238.6 (MANE Select); bases 4 to 7 of the intron after coding-DNA position 346, 4 bases deleted (AGTA; older notation c.346+4_346+7delAGTA).
Molecular consequence: splice donor variant.
Genome position (GRCh38, 1-based): chr1:218,347,051-218,347,054, AGTA deleted; deleting any 4 consecutive bases within chr1:218,347,046-218,347,054 gives the same sequence; the c. name uses the placement nearest the transcript's 3' end. VCF-style (leftmost placement, unchanged base first): chr1-218347045-AAAGT-A. GRCh37 (hg19) VCF-style: chr1-218520387-AAAGT-A.
Other names: c.346+4_346+7del (NM_001135599.4).
Identifiers: ClinVar variation 626566 (VCV000626566.6), dbSNP rs1558220436, ClinGen allele CA913190162.